The following is an entry in ClinVar:

ClinVar aggregate classification (germline): Uncertain significance (1 of 4 stars; one submission).

gnomAD v4.1: 1 of 1,212,170 alleles (0.000082%); highest among the groups gnomAD compares: Non-Finnish European, 0.00011%; no homozygotes.

Submission:

CeGaT Center for Human Genetics Tuebingen
Classification: Uncertain significance. Last evaluated: 2023-01-01. Review status: criteria provided, single submitter. Criteria: CeGaT Center For Human Genetics Tuebingen Variant Classification Criteria Version 2. Collection method: clinical testing. Allele origin: germline. Affected: yes. Observed: 1 variant allele.
Comment: RAB39B: PM2, PP3

NM_171998.4(RAB39B):c.27C>G (p.Phe9Leu)

Gene: RAB39B (RAB39B, member RAS oncogene family; minus strand). Cytogenetic location: Xq28.
Variant type: single nucleotide variant.
Coding change: c.27C>G on transcript NM_171998.4 (MANE Select); coding-DNA position 27, C replaced by G.
Protein change: p.Phe9Leu; replaces phenylalanine 9 with leucine.
Molecular consequence: missense variant.
Genome position (GRCh38, 1-based): chrX:155,264,262, G>C on the plus strand (C>G on the coding strand, the complement: RAB39B is on the minus strand). VCF-style: chrX-155264262-G-C. GRCh37 (hg19) VCF-style: chrX-154493547-G-C.
Other names: short protein forms F9L.
Identifiers: ClinVar variation 2661876 (VCV002661876.24), dbSNP rs2074862117, ClinGen allele CA414925693.
Genomic context (GRCh38, chrX:155,264,262, plus strand): 5'-GGTGAAGCGGCGGATCAGGCAGGACTTGCCCACTGTGGAATCCCCGATGACAATGAGCCG[G>C]AACTGGTACAGCCAGATGGCCTCCATGGCCGCGGCTCTGCAGGTCTCCTTGGCCCGGACC-3'
Protein context (NP_741995.1, residues 1-19): MEAIWLYQ[Phe9Leu]RLIVIGDSTV